The following is an entry in ClinVar:

NM_000535.7(PMS2):c.251-12_251-9del

Gene: PMS2 (PMS1 homolog 2, mismatch repair system component; minus strand). Cytogenetic location: 7p22.1.
Variant type: Deletion.
Coding change: c.251-12_251-9del on transcript NM_000535.7 (MANE Select); 12 bases into the intron before coding-DNA position 251 through 9 bases into the intron before coding-DNA position 251, 4 bases deleted (ACTC; older notation c.251-12_251-9delACTC).
Molecular consequence: intron variant. On other transcripts: frameshift variant (1).
Genome position (GRCh38, 1-based): chr7:6,003,801-6,003,804, GAGT deleted on the plus strand (ACTC on the coding strand, the reverse complement: PMS2 is on the minus strand); deleting any 4 consecutive bases within chr7:6,003,801-6,003,805 gives the same sequence; the c. name uses the placement nearest the transcript's 3' end. VCF-style (leftmost placement, unchanged base first): chr7-6003800-AGAGT-A. GRCh37 (hg19) VCF-style: chr7-6043431-AGAGT-A.
Other names: c.263_266del, p.His88fs (NM_001406868.1); c.35+168_35+171del (NM_001322008.2, NM_001406902.1, NM_001406883.1 and 4 more transcripts); c.-132+168_-132+171del (NM_001406881.1, NM_001406900.1); c.-102-12_-102-9del (NM_001406895.1, NM_001406904.1, NM_001406889.1 and 6 more transcripts); c.-155-12_-155-9del (NM_001406911.1, NM_001322010.2, NM_001322004.2 and 13 more transcripts); c.-234-12_-234-9del (NM_001406879.1, NM_001322015.2, NM_001406878.1 and 3 more transcripts); c.-634-12_-634-9del (NM_001322012.2, NM_001322011.2); c.-52-1168_-52-1165del (NM_001406896.1); and 5 more; short protein forms H88fs.
Identifiers: ClinVar variation 3904503 (VCV003904503.1).

ClinVar aggregate classification (germline): Likely benign (1 of 4 stars; one submission).

Conditions:
Lynch syndrome 4 (LYNCH4). Also called: Colorectal cancer, hereditary nonpolyposis, type 4; Hereditary non-polyposis colorectal cancer, type 4. Identifiers: Orphanet 144, MedGen C1838333, MONDO:0013699, OMIM 614337. Disease mechanism: loss of function.

Submission:

Myriad Genetics, Inc.
Classification: Likely benign for Lynch syndrome 4. Last evaluated: 2025-01-24. Review status: criteria provided, single submitter. Criteria: Myriad Autosomal Dominant, Autosomal Recessive and X-Linked Classification Criteria (2023). Collection method: clinical testing. Allele origin: unknown.
Comment: This variant is considered likely benign. This variant is intronic and is not expected to impact mRNA splicing.